The following is an entry in ClinVar:

ClinVar aggregate classification (germline): Likely benign (0 of 4 stars; one submission).

Conditions:
Hereditary cancer-predisposing syndrome. Also called: Tumor predisposition; Hereditary neoplastic syndrome; Neoplastic Syndromes, Hereditary; Hereditary Cancer Syndrome. Identifiers: Orphanet 140162, MedGen C0027672, MeSH D009386, MONDO:0015356.

Allele frequency attached by ClinVar (database versions not stated): gnomAD 0.00009 and 0.00027; TOPMed 0.00014; 1000 Genomes Project 0.00040; gnomAD exomes 0.00040 and 0.00071; 1000 Genomes Project 30x 0.00047; ExAC 0.00076.
gnomAD v4.1: 604 of 1,551,560 alleles (0.039%); highest among the groups gnomAD compares: South Asian, 0.48%; 6 homozygotes.

Submission:

Institute for Biomarker Research, Medical Diagnostic Laboratories, L.L.C.
Classification: Likely benign for Hereditary cancer-predisposing syndrome. Last evaluated: 2021-09-03. Review status: no assertion criteria provided. Collection method: clinical testing. Allele origin: germline.
Comment: intron variant

NM_002485.5(NBN):c.1915-24C>T

Gene: NBN (nibrin; minus strand). Cytogenetic location: 8q21.3.
Variant type: single nucleotide variant.
Coding change: c.1915-24C>T on transcript NM_002485.5 (MANE Select); 24 bases into the intron before coding-DNA position 1915, C replaced by T.
Molecular consequence: intron variant.
Genome position (GRCh38, 1-based): chr8:89,946,319, G>A on the plus strand (C>T on the coding strand, the complement: NBN is on the minus strand). VCF-style: chr8-89946319-G-A. GRCh37 (hg19) VCF-style: chr8-90958547-G-A.
Other names: c.1669-24C>T (NM_001024688.3).
Identifiers: ClinVar variation 1285614 (VCV001285614.1), dbSNP rs201654255, ClinGen allele CA4802643.
Genomic context (GRCh38, chr8:89,946,319, plus strand): 5'-GAAGCATCTCACTATCATCCTGAAGTTTGTCATTGTTCTTAAATGGGGTTAAGATGGATA[G>A]GTAAGAAAGAGAAGAAATAACAAAGAAAAGTCACTTGTCATTTGGGAATCTATAGAAAAA-3'